The following is an entry in ClinVar:

NM_007294.4(BRCA1):c.4837_4838delinsGCC (p.Ser1613fs)

Gene: BRCA1 (BRCA1 DNA repair associated; minus strand). Cytogenetic location: 17q21.31.
Variant type: Indel.
Coding change: c.4837_4838delinsGCC on transcript NM_007294.4 (MANE Select); coding-DNA positions 4837 to 4838, AG replaced by GCC.
Protein change: p.Ser1613fs; shifts the reading frame from serine 1613.
Molecular consequence: frameshift variant. On other transcripts: non-coding transcript variant (1).
Genome position (GRCh38, 1-based): chr17:43,071,076-43,071,077, CT replaced by GGC on the plus strand (AG replaced by GCC on the coding strand, the reverse complement: BRCA1 is on the minus strand). VCF-style: chr17-43071076-CT-GGC. GRCh37 (hg19) VCF-style: chr17-41223093-CT-GGC.
Other names: c.1282_1283delAGinsGCC, p.Ser428Alafs (NM_001408495.1); c.1264_1265delAGinsGCC, p.Ser422Alafs (NM_001408496.1, NM_001408497.1, NM_001408498.1 and 3 more transcripts); c.1261_1262delAGinsGCC, p.Ser421Alafs (NM_001408502.1, NM_001408503.1, NM_001408504.1); c.1258_1259delAGinsGCC, p.Ser420Alafs (NM_001408505.1); c.1201_1202delAGinsGCC, p.Ser401Alafs (NM_001408506.1); c.1198_1199delAGinsGCC, p.Ser400Alafs (NM_001408507.1); c.1189_1190delAGinsGCC, p.Ser397Alafs (NM_001408508.1); c.1186_1187delAGinsGCC, p.Ser396Alafs (NM_001408509.1); and 73 more; short protein forms S1613fs, S1634fs, S509fs, S1566fs.
Identifiers: ClinVar variation 180697 (VCV000180697.13), dbSNP rs730880287, ClinGen allele CA003043.
Genomic context (GRCh38, chr17:43,071,076, plus strand): 5'-CTCACACTTTCTTCCATTGCATTATACCCAGCAGTATCAGTAGTATGAGCAGCAGCTGGA[CT>GGC]CTGGGCAGATTCTGCAACTTTCAATTGGGGAACTTTCAATGCAGAGGTTGAAGATGGTAT-3'

ClinVar aggregate classification (germline): Pathogenic. Review status: reviewed by expert panel (3 of 4 stars). 7 submissions from 7 submitters: Pathogenic (1). 6 of the submissions do not count toward it. Last evaluated 2016-09-08.

Conditions:
Hereditary breast ovarian cancer syndrome. Also called: Hereditary breast and ovarian cancer syndrome; Hereditary breast and ovarian cancer syndrome (HBOC); BRCA1- and BRCA2-Associated Hereditary Breast and Ovarian Cancer; Breast and ovarian cancer; Hereditary breast and ovarian cancer; Hereditary breast and/or ovarian cancer syndrome. Identifiers: Orphanet 145, MedGen C0677776, MeSH D061325, MONDO:0003582. Disease mechanism: loss of function.
Hereditary cancer-predisposing syndrome. Also called: Hereditary Cancer Syndrome; Hereditary neoplastic syndrome; Tumor predisposition; Neoplastic Syndromes, Hereditary. Identifiers: Orphanet 140162, MedGen C0027672, MeSH D009386, MONDO:0015356.
Breast-ovarian cancer, familial, susceptibility to, 1 (BROVCA1). Also called: OVARIAN CANCER, SUSCEPTIBILITY TO; BRCA1 Hereditary Breast and Ovarian Cancer. Identifiers: Orphanet 145, MedGen C2676676, MONDO:0011450, OMIM 604370. Disease mechanism: loss of function.

Submissions (7):

Evidence-based Network for the Interpretation of Germline Mutant Alleles (ENIGMA)
Classification: Pathogenic for Breast-ovarian cancer, familial, susceptibility to, 1. Last evaluated: 2016-09-08. Review status: reviewed by expert panel. Criteria: ENIGMA BRCA1/2 Classification Criteria (2015). Collection method: curation. Allele origin: germline.
Comment: Variant allele predicted to encode a truncated non-functional protein.

Labcorp Genetics (formerly Invitae), Labcorp
Classification: Pathogenic for Hereditary breast ovarian cancer syndrome. Last evaluated: 2025-10-13. Review status: criteria provided, single submitter. Criteria: Invitae Variant Classification Sherloc (09022015). Collection method: clinical testing. Allele origin: germline. Not counted in ClinVar's aggregate classification.
Comment: This sequence change creates a premature translational stop signal (p.Ser1613Alafs*9) in the BRCA1 gene. It is expected to result in an absent or disrupted protein product. Loss-of-function variants in BRCA1 are known to be pathogenic (PMID: 20104584). Information on the frequency of this variant in the gnomAD database is not available, as this variant may be reported differently in the database. This variant has not been reported in the literature in individuals affected with BRCA1-related conditions. ClinVar contains an entry for this variant (Variation ID: 3769476). For these reasons, this variant has been classified as Pathogenic.

Biotechnology, Institute of Science, Nirma University
Classification: Pathogenic for Breast-ovarian cancer, familial, susceptibility to, 1. Last evaluated: 2025-09-15. Review status: criteria provided, single submitter. Criteria: ACMG Guidelines, 2015. Collection method: research. Allele origin: germline. Affected: yes. Observed: 1 heterozygote. Not counted in ClinVar's aggregate classification.
Comment: The variant lies in exon 15 of BRCA1 gene, and results in a frameshift and consequent premature termination of the protein. The resultant protein is predicted to have 1620 amino acids instead of the original 1863. This would most likely result in absence of BRCT domain of the protein, leading to loss-of-function. The resulting transcript could also be targeted by nonsense mediated mRNA decay. This variant has been previously reported in dbSNP and ClinVar databases, in cases of breast and/or ovarian cancer in Indian population. The ACMG criteria PVS1, PS4, PM2 are met; hence, this variant has been classified as pathogenic.

Ambry Genetics
Classification: Pathogenic for Hereditary cancer-predisposing syndrome. Last evaluated: 2023-05-10. Review status: criteria provided, single submitter. Criteria: Ambry Variant Classification Scheme 2023. Collection method: clinical testing. Allele origin: germline. Not counted in ClinVar's aggregate classification.
Comment: The c.4837_4838delAGinsGCC pathogenic mutation, located in coding exon 14 of the BRCA1 gene, results from the deletion of two nucleotides and insertion of 3 nucleotides causing a translational frameshift with a predicted alternate stop codon (p.S1613Afs*9). This alteration has been identified in a breast/ovarian cancer cohort (Mannan AU et al. J Hum Genet, 2016 Jun;61:515-22). This variant is considered to be rare based on population cohorts in the Genome Aggregation Database (gnomAD). In addition to the clinical data presented in the literature, this alteration is expected to result in loss of function by premature protein truncation or nonsense-mediated mRNA decay. As such, this alteration is interpreted as a disease-causing mutation.

Quest Diagnostics Nichols Institute San Juan Capistrano
Classification: Pathogenic. Last evaluated: 2017-08-26. Review status: criteria provided, single submitter. Criteria: Quest Diagnostics criteria. Collection method: clinical testing. Allele origin: germline. Not counted in ClinVar's aggregate classification.

Counsyl
Classification: Pathogenic for Breast-ovarian cancer, familial, susceptibility to, 1. Last evaluated: 2017-05-10. Review status: no assertion criteria provided. Collection method: clinical testing. Allele origin: unknown. Not counted in ClinVar's aggregate classification.

Strand Center for Genomics and Personalized Medicine, Strand Life Sciences Pvt Ltd
Classification: Likely pathogenic for Breast-ovarian cancer, familial 1. Last evaluated: 2014-06-11. Review status: no assertion criteria provided. Collection method: clinical testing. Allele origin: germline. Affected: yes. Observed: 1 variant allele, 1 heterozygote. Not counted in ClinVar's aggregate classification.
Comment: The deletion causes a frameshift after the codon 1612 followed by a premature termination of the protein. The truncated protein lacks the C-terminal domain of BRCA1 resulting in loss of function of the protein. Many variations in BRCA1 resulting in truncated protein lacking the C-terminal domain have been reported as disease causing (PMID : 9799248).

Literature cited by the submitters: PubMed 20104584 (cited by Labcorp Genetics (formerly Invitae), Labcorp); PubMed 26911350 (cited by Ambry Genetics and Counsyl).